The following is an entry in ClinVar:

ClinVar aggregate classification (germline): Pathogenic (0 of 4 stars; one submission).

Conditions:
OPA1-related disorder. Also called: OPA1-related condition; OPA1-related disorders.

Submission:

PreventionGenetics, part of Exact Sciences
Classification: Pathogenic for OPA1-related condition. Last evaluated: 2024-06-08. Review status: no assertion criteria provided. Collection method: clinical testing. Allele origin: germline.
Comment: The OPA1 c.2945T>A variant is predicted to result in premature protein termination (p.Leu982*). This variant can also be denoted c.2780T>A (p.Leu927*) using transcript NM_015560. This variant has been reported in an individual with optic atrophy (Han et al. 2006. PubMed ID: 16617242). This variant has not been reported in a large population database, indicating this variant is rare. Nonsense variants in OPA1 are expected to be pathogenic. Given the evidence, we interpret this variant as pathogenic.

NM_130837.3(OPA1):c.2945T>A (p.Leu982Ter)

Gene: OPA1 (OPA1 mitochondrial dynamin like GTPase; plus strand). Cytogenetic location: 3q29.
Variant type: single nucleotide variant.
Coding change: c.2945T>A on transcript NM_130837.3 (MANE Select); coding-DNA position 2945, T replaced by A.
Protein change: p.Leu982Ter; replaces leucine 982 with a stop codon.
Molecular consequence: nonsense.
Genome position (GRCh38, 1-based): chr3:193,667,242, T>A. VCF-style: chr3-193667242-T-A. GRCh37 (hg19) VCF-style: chr3-193385031-T-A.
Other names: c.2411T>A, p.Leu804Ter (NM_001354663.2); c.2408T>A, p.Leu803Ter (NM_001354664.2); c.2780T>A, p.Leu927Ter (NM_015560.3); c.2672T>A, p.Leu891Ter (NM_130831.3); c.2726T>A, p.Leu909Ter (NM_130832.3); c.2783T>A, p.Leu928Ter (NM_130833.3); c.2834T>A, p.Leu945Ter (NM_130834.3); c.2837T>A, p.Leu946Ter (NM_130835.3); and 1 more; short protein forms L964*, L982*, L803*, L804*, L891*, L909*, L927*, L928*.
Identifiers: ClinVar variation 3346062 (VCV003346062.1).